The following is an entry in ClinVar:

NM_006384.4(CIB1):c.536G>A (p.Arg179His)

Gene: CIB1 (calcium and integrin binding 1; minus strand). Cytogenetic location: 15q26.1.
Variant type: single nucleotide variant.
Coding change: c.536G>A on transcript NM_006384.4 (MANE Select); coding-DNA position 536, G replaced by A.
Protein change: p.Arg179His; replaces arginine 179 with histidine.
Molecular consequence: missense variant. On other transcripts: non-coding transcript variant (2).
Genome position (GRCh38, 1-based): chr15:90,230,952, C>T on the plus strand (G>A on the coding strand, the complement: CIB1 is on the minus strand). VCF-style: chr15-90230952-C-T. GRCh37 (hg19) VCF-style: chr15-90774184-C-T.
Other names: c.656G>A, p.Arg219His (NM_001277764.2); short protein forms R179H, R219H.
Identifiers: ClinVar variation 1484499 (VCV001484499.5), dbSNP rs145803459, ClinGen allele CA7734133.
Genomic context (GRCh38, chr15:90,230,952, plus strand): 5'-GAACCTGCAGGTACCCAGAATGAAGGGGGACCACTGTCATACCTGGCAAAGTCTGGAGAA[C>T]GGGAGATGACGTGCTGGAACTCAGAGAGGTTGATGGTTCCATCCCTGTCAATGTCAGACT-3'
Protein context (NP_006375.2, residues 169-189): NLSEFQHVIS[Arg179His]SPDFASSFKI

ClinVar aggregate classification (germline): Uncertain significance (1 of 4 stars; one submission).

Allele frequency attached by ClinVar (database versions not stated): ESP Exome Variant Server 0.00008.
gnomAD v4.1: 29 of 1,613,908 alleles (0.0018%); highest among the groups gnomAD compares: Admixed American, 0.02%; no homozygotes.

Submission:

Labcorp Genetics (formerly Invitae), Labcorp
Classification: Uncertain significance. Last evaluated: 2022-07-19. Review status: criteria provided, single submitter. Criteria: Invitae Variant Classification Sherloc (09022015). Collection method: clinical testing. Allele origin: germline.
Comment: This sequence change replaces arginine, which is basic and polar, with histidine, which is basic and polar, at codon 219 of the CIB1 protein (p.Arg219His). This variant is present in population databases (rs145803459, gnomAD 0.02%). This variant has not been reported in the literature in individuals affected with CIB1-related conditions. ClinVar contains an entry for this variant (Variation ID: 1484499). Algorithms developed to predict the effect of missense changes on protein structure and function are either unavailable or do not agree on the potential impact of this missense change (SIFT: "Deleterious"; PolyPhen-2: "Not Available"; Align-GVGD: "Class C25"). In summary, the available evidence is currently insufficient to determine the role of this variant in disease. Therefore, it has been classified as a Variant of Uncertain Significance.